The following is an entry in ClinVar:

NM_015978.3(TNNI3K):c.933-1G>A

Genes: FPGT-TNNI3K (FPGT-TNNI3K readthrough; plus strand), TNNI3K (TNNI3 interacting kinase; plus strand). Cytogenetic location: 1p31.1.
Variant type: single nucleotide variant.
Coding change: c.933-1G>A on transcript NM_015978.3 (MANE Select); the canonical splice acceptor site of the intron before coding-DNA position 933, G replaced by A.
Molecular consequence: splice acceptor variant.
Genome position (GRCh38, 1-based): chr1:74,353,265, G>A. VCF-style: chr1-74353265-G-A. GRCh37 (hg19) VCF-style: chr1-74818949-G-A.
Other names: c.1236-1G>A (NM_001112808.3, NM_001199327.2).
Identifiers: ClinVar variation 1988025 (VCV001988025.3), dbSNP rs752821218, ClinGen allele CA909086.

ClinVar aggregate classification (germline): Uncertain significance. Review status: criteria provided, multiple submitters, no conflicts (2 of 4 stars). 2 submissions from 2 submitters: Uncertain significance (2). Last evaluated 2022-07-30.

Allele frequency attached by ClinVar (database versions not stated): TOPMed 0.00001; ExAC 0.00002.
gnomAD v4.1: 12 of 1,608,906 alleles (0.00075%); highest among the groups gnomAD compares: East Asian, 0.013%; no homozygotes.

Submissions (2):

Labcorp Genetics (formerly Invitae), Labcorp
Classification: Uncertain significance. Last evaluated: 2022-07-30. Review status: criteria provided, single submitter. Criteria: Invitae Variant Classification Sherloc (09022015). Collection method: clinical testing. Allele origin: germline.
Comment: In summary, the available evidence is currently insufficient to determine the role of this variant in disease. Therefore, it has been classified as a Variant of Uncertain Significance. Algorithms developed to predict the effect of sequence changes on RNA splicing suggest that this variant may disrupt the consensus splice site. This variant has not been reported in the literature in individuals affected with TNNI3K-related conditions. This variant is present in population databases (rs752821218, gnomAD 0.04%). This sequence change affects an acceptor splice site in intron 9 of the TNNI3K gene. It is expected to disrupt RNA splicing. Variants that disrupt the donor or acceptor splice site typically lead to a loss of protein function (PMID: 16199547), however the current clinical and genetic evidence is not sufficient to establish whether loss-of-function variants in TNNI3K cause disease.

Blueprint Genetics
Classification: Uncertain significance. Last evaluated: 2020-03-03. Review status: criteria provided, single submitter. Criteria: ACMG Guidelines, 2015. Collection method: clinical testing. Allele origin: germline.

Literature cited by the submitters: PubMed 16199547 (cited by Labcorp Genetics (formerly Invitae), Labcorp).